The following is an entry in ClinVar:

ClinVar aggregate classification (germline): Uncertain significance (1 of 4 stars; one submission).

Conditions:
CCDC39-related disorder. Also called: CCDC39-related condition.

gnomAD v4.1: 2 of 1,348,304 alleles (0.00015%); highest among the groups gnomAD compares: African/African-American, 0.003%; no homozygotes.

Submission:

PreventionGenetics, part of Exact Sciences
Classification: Uncertain significance for CCDC39-related condition. Last evaluated: 2025-10-19. Review status: criteria provided, single submitter. Criteria: ACMG Guidelines, 2015. Collection method: clinical testing. Allele origin: germline.
Comment: The CCDC39 c.2269A>G variant is predicted to result in the amino acid substitution p.Met757Val. To our knowledge, this variant has not been reported in the literature. This variant is reported in 0.011% of alleles in individuals of African descent in gnomAD. At this time, the clinical significance of this variant is uncertain due to the absence of conclusive functional and genetic evidence.

NM_181426.2(CCDC39):c.2269A>G (p.Met757Val)

Genes: CCDC39 (coiled-coil domain 39 molecular ruler complex subunit; minus strand), TTC14 (tetratricopeptide repeat domain 14; plus strand). Cytogenetic location: 3q26.33.
Variant type: single nucleotide variant.
Coding change: c.2269A>G on transcript NM_181426.2 (MANE Select); coding-DNA position 2269, A replaced by G.
Protein change: p.Met757Val; replaces methionine 757 with valine.
Molecular consequence: missense variant. On other transcripts: intron variant (1).
Genome position (GRCh38, 1-based): chr3:180,616,963, T>C on the plus strand (A>G on the coding strand, the complement: CCDC39 is on the minus strand). VCF-style: chr3-180616963-T-C. GRCh37 (hg19) VCF-style: chr3-180334751-T-C.
Other names: c.1775-417T>C (NM_001288582.2); short protein forms M757V.
Identifiers: ClinVar variation 4983925 (VCV004983925.1).